The following is an entry in ClinVar:

NM_017780.4(CHD7):c.6938A>T (p.Asp2313Val)

Gene: CHD7 (chromodomain helicase DNA binding protein 7; plus strand). Cytogenetic location: 8q12.2.
Variant type: single nucleotide variant.
Coding change: c.6938A>T on transcript NM_017780.4 (MANE Select); coding-DNA position 6938, A replaced by T.
Protein change: p.Asp2313Val; replaces aspartic acid 2313 with valine.
Molecular consequence: missense variant. On other transcripts: intron variant (1).
Genome position (GRCh38, 1-based): chr8:60,855,976, A>T. VCF-style: chr8-60855976-A-T. GRCh37 (hg19) VCF-style: chr8-61768535-A-T.
Other names: c.1717-6253A>T (NM_001316690.1); short protein forms D2313V.
Identifiers: ClinVar variation 3346351 (VCV003346351.1).

ClinVar aggregate classification (germline): Uncertain significance (0 of 4 stars; one submission).

Conditions:
CHD7-related disorder. Also called: CHD7-related condition.

Submission:

PreventionGenetics, part of Exact Sciences
Classification: Uncertain significance for CHD7-related condition. Last evaluated: 2024-09-09. Review status: no assertion criteria provided. Collection method: clinical testing. Allele origin: germline.
Comment: The CHD7 c.6938A>T variant is predicted to result in the amino acid substitution p.Asp2313Val. To our knowledge, this variant has not been reported in the literature or in a large population database, indicating this variant is rare. At this time, the clinical significance of this variant is uncertain due to the absence of conclusive functional and genetic evidence.